The following is an entry in ClinVar:

ClinVar aggregate classification (germline): Benign. Review status: criteria provided, single submitter (1 of 4 stars). 2 submissions from 2 submitters: Benign (1). 1 of the submissions does not count toward it. Last evaluated 2025-07-30.

Conditions:
IL11RA-related disorder. Also called: IL11RA-related condition.

Allele frequency attached by ClinVar (database versions not stated): gnomAD exomes 0.00149; ExAC 0.00194; 1000 Genomes Project 0.00499; gnomAD 0.00586 and 0.00633; 1000 Genomes Project 30x 0.00593; TOPMed 0.00671; ESP Exome Variant Server 0.00692.
gnomAD v4.1: 1,673 of 1,614,164 alleles (0.1%); highest among the groups gnomAD compares: African/African-American, 2%; 15 homozygotes.

Submissions (2):

Labcorp Genetics (formerly Invitae), Labcorp
Classification: Benign. Last evaluated: 2025-07-30. Review status: criteria provided, single submitter. Criteria: Invitae Variant Classification Sherloc (09022015). Collection method: clinical testing. Allele origin: germline.

PreventionGenetics, part of Exact Sciences
Classification: Benign for IL11RA-related condition. Last evaluated: 2024-01-02. Review status: no assertion criteria provided. Collection method: clinical testing. Allele origin: germline. Not counted in ClinVar's aggregate classification.
Comment: This variant is classified as benign based on ACMG/AMP sequence variant interpretation guidelines (Richards et al. 2015 PMID: 25741868, with internal and published modifications).

NM_001142784.3(IL11RA):c.193C>A (p.Pro65Thr)

Gene: IL11RA (interleukin 11 receptor subunit alpha; plus strand). Cytogenetic location: 9p13.3.
Variant type: single nucleotide variant.
Coding change: c.193C>A on transcript NM_001142784.3 (MANE Select); coding-DNA position 193, C replaced by A.
Protein change: p.Pro65Thr; replaces proline 65 with threonine.
Molecular consequence: missense variant. On other transcripts: non-coding transcript variant (1).
Genome position (GRCh38, 1-based): chr9:34,656,770, C>A. VCF-style: chr9-34656770-C-A. GRCh37 (hg19) VCF-style: chr9-34656767-C-A.
Other names: short protein forms P65T.
Identifiers: ClinVar variation 713713 (VCV000713713.12), dbSNP rs11575589, ClinGen allele CA5036401.
Genomic context (GRCh38, chr9:34,656,770, plus strand): 5'-TGTCCATTGTCACCTCATCTCACTTCCAGGGACCCAGTGTCCTGGTTTCGGGATGGGGAG[C>A]CAAAGCTGCTCCAGGGACCTGACTCTGGGCTAGGGCATGAACTGGTCCTGGCCCAGGCAG-3'
Protein context (NP_001136256.1, residues 55-75): DPVSWFRDGE[Pro65Thr]KLLQGPDSGL